The following is an entry in ClinVar:

ClinVar aggregate classification (germline): Conflicting classifications of pathogenicity. Review status: criteria provided, conflicting classifications (1 of 4 stars). 4 submissions from 4 submitters: Uncertain significance (3); Likely benign (1). Last evaluated 2025-07-30.

Allele frequency attached by ClinVar (database versions not stated): 1000 Genomes Project 30x 0.00031; ESP Exome Variant Server 0.00039; 1000 Genomes Project 0.00040; gnomAD exomes 0.00046 and 0.00064; ExAC 0.00048; TOPMed 0.00055; gnomAD 0.00059 and 0.00060.
gnomAD v4.1: 815 of 1,613,718 alleles (0.051%); highest among the groups gnomAD compares: Admixed American, 0.057%; 1 homozygote.

Submissions (4):

GeneDx
Classification: Uncertain significance. Last evaluated: 2025-07-30. Review status: criteria provided, single submitter. Criteria: GeneDx Variant Classification Process June 2021. Collection method: clinical testing. Allele origin: germline. Affected: yes.
Comment: Reported in association with von Willebrand disease; however, detailed clinical information was not provided (PMID: 22871923); In silico analysis suggests that this missense variant does not alter protein structure/function; This variant is associated with the following publications: (PMID: 22871923, 23690449)

Quest Diagnostics Nichols Institute San Juan Capistrano
Classification: Uncertain significance. Last evaluated: 2025-02-21. Review status: criteria provided, single submitter. Criteria: Quest Diagnostics criteria. Collection method: clinical testing. Allele origin: unknown.
Comment: The VWF c.3719C>T (p.Pro1240Leu) variant has been reported in the published literature in individuals affected with Type 1 (PMID: 24800796 (2014)) and Type 2B (PMID: 22871923 (2012)) von Willebrand disease (vWD). The frequency of this variant in the general population (Genome Aggregation Database) is higher than would generally be expected for pathogenic variants in this gene. Analysis of this variant using bioinformatics tools for the prediction of the effect of amino acid changes on protein structure and function yielded conflicting predictions that this variant is benign or damaging. Based on the available information, we are unable to determine the clinical significance of this variant.

Mayo Clinic Laboratories, Mayo Clinic
Classification: Uncertain significance. Last evaluated: 2024-08-26. Review status: criteria provided, single submitter. Criteria: ACMG Guidelines, 2015. Collection method: clinical testing. Allele origin: germline. Observed: 3 variant alleles.
Comment: BP2, BP4, PM1_supporting

ARUP Laboratories, Molecular Genetics and Genomics, ARUP Laboratories
Classification: Likely benign. Last evaluated: 2019-09-05. Review status: criteria provided, single submitter. Criteria: ARUP Molecular Germline Variant Investigation Process. Collection method: clinical testing. Allele origin: germline.

Literature cited by the submitters: PubMed 22871923 (cited by Quest Diagnostics Nichols Institute San Juan Capistrano and Mayo Clinic Laboratories, Mayo Clinic); PubMed 24800796 (cited by Quest Diagnostics Nichols Institute San Juan Capistrano); PubMed 23690449 (cited by Quest Diagnostics Nichols Institute San Juan Capistrano).

NM_000552.5(VWF):c.3719C>T (p.Pro1240Leu)

Gene: VWF (von Willebrand factor; minus strand). Cytogenetic location: 12p13.31.
Variant type: single nucleotide variant.
Coding change: c.3719C>T on transcript NM_000552.5 (MANE Select); coding-DNA position 3719, C replaced by T.
Protein change: p.Pro1240Leu; replaces proline 1240 with leucine.
Molecular consequence: missense variant.
Genome position (GRCh38, 1-based): chr12:6,019,699, G>A on the plus strand (C>T on the coding strand, the complement: VWF is on the minus strand). VCF-style: chr12-6019699-G-A. GRCh37 (hg19) VCF-style: chr12-6128865-G-A.
Other names: p.Pro1240Leu; c.3719C>T (NM_000552.4); short protein forms P1240L.
Identifiers: ClinVar variation 310068 (VCV000310068.17), dbSNP rs150576611, ClinGen allele CA6402693.
Genomic context (GRCh38, chr12:6,019,699, plus strand): 5'-TCCACATACAGAGTGGTGGGGCTCACCGGGGCATCTGTGGGAGGCACCACCAGGCCTCCC[G>A]GCTCCTGGCAGGCTTCACAGGTGAGGTTGACAACATCACAGTGGCTGCAGAAAAGAGCGA-3'
Protein context (NP_000543.3, residues 1230-1250): VNLTCEACQE[Pro1240Leu]GGLVVPPTDA